The following is an entry in ClinVar:

ClinVar aggregate classification (germline): Uncertain significance. Review status: criteria provided, multiple submitters, no conflicts (2 of 4 stars). 4 submissions from 4 submitters: Uncertain significance (2). 2 of the submissions do not count toward it. Last evaluated 2025-10-07.

Conditions:
Cortical dysplasia, complex, with other brain malformations 13. Also called: Intellectual disability, autosomal dominant 13. Identifiers: MedGen C3281202, MONDO:0013805, OMIM 614563.
Charcot-Marie-Tooth disease axonal type 2O. Also called: CHARCOT-MARIE-TOOTH NEUROPATHY, AXONAL, TYPE 2O; CHARCOT-MARIE-TOOTH DISEASE, AXONAL, AUTOSOMAL DOMINANT, TYPE 2O; Charcot-Marie-Tooth Neuropathy Type 2O; Charcot-Marie-Tooth disease, axonal, type 20. Identifiers: Orphanet 284232, MedGen C3280220, MONDO:0013644, OMIM 614228.
Neuronopathy, distal hereditary motor, autosomal dominant. Also called: Autosomal dominant distal hereditary motor neuropathy. Identifiers: Orphanet 140465, MedGen C5548212, MONDO:0015362.

Submissions (4):

Labcorp Genetics (formerly Invitae), Labcorp
Classification: Uncertain significance for Charcot-Marie-Tooth disease axonal type 2O. Last evaluated: 2025-10-07. Review status: criteria provided, single submitter. Criteria: Invitae Variant Classification Sherloc (09022015). Collection method: clinical testing. Allele origin: germline.
Comment: This sequence change replaces glutamic acid, which is acidic and polar, with lysine, which is basic and polar, at codon 2616 of the DYNC1H1 protein (p.Glu2616Lys). This variant is not present in population databases (gnomAD no frequency). This missense change has been observed in individual(s) with spinal muscular atrophy (PMID: 25609763, 26100331). ClinVar contains an entry for this variant (Variation ID: 637520). An algorithm developed to predict the effect of missense changes on protein structure and function (PolyPhen-2) suggests that this variant is likely to be disruptive. In summary, the available evidence is currently insufficient to determine the role of this variant in disease. Therefore, it has been classified as a Variant of Uncertain Significance.

Genetics and Molecular Pathology, SA Pathology
Classification: Uncertain significance for Cortical dysplasia, complex, with other brain malformations 13. Last evaluated: 2021-07-21. Review status: criteria provided, single submitter. Criteria: ACMG Guidelines, 2015. Collection method: clinical testing. Allele origin: germline. Inheritance: Autosomal dominant inheritance. Affected: yes.
Comment: The DYNC1H1 c.7846G>A variant is classified as a VARIANT OF UNCERTAIN SIGNIFICANCE (PM2, PP3) The DYNC1H1 c.7846G>A variant is a single nucleotide change in exon 38 of the DYNC1H1 gene, which is predicted to change the amino acid glutamic acid at position 2616 in the protein to lysine. This variant has not been reported in dbSNP and is absent from population databases (PM2). This variant has been reported in two members of a family with distal muscle atrophy and proximal muscle weakness of the lower limbs, as well as mild cognitive impairment (PMID: 25609763) and has been referred to as a variant of uncertain significance in ClinVar for autosomal dominant distal hereditary motor neuropathy (ClinVar Variation ID: 637520) and as damaging for spinal muscular atrophy in the HGMD disease datase (CM151466). Computational predictions support a deleterious effect on the gene or gene product (PP3).

Inherited Neuropathy Consortium Ii, University Of Miami
Classification: Uncertain significance for Charcot-Marie-Tooth disease axonal type 2O. Last evaluated: 2016-01-06. Review status: no assertion criteria provided. Collection method: literature only. Allele origin: germline. Affected: yes. Not counted in ClinVar's aggregate classification.

Inherited Neuropathy Consortium
Classification: Uncertain significance for Autosomal dominant distal hereditary motor neuropathy. Review status: no assertion criteria provided. Collection method: literature only. Allele origin: germline. Affected: yes. Not counted in ClinVar's aggregate classification.

Literature cited by the submitters: PubMed 25609763 (cited by 4 submitters); PubMed 26100331 (cited by Labcorp Genetics (formerly Invitae), Labcorp).

NM_001376.5(DYNC1H1):c.7846G>A (p.Glu2616Lys)

Gene: DYNC1H1 (dynein cytoplasmic 1 heavy chain 1; plus strand). Cytogenetic location: 14q32.31.
Variant type: single nucleotide variant.
Coding change: c.7846G>A on transcript NM_001376.5 (MANE Select); coding-DNA position 7846, G replaced by A.
Protein change: p.Glu2616Lys; replaces glutamic acid 2616 with lysine.
Molecular consequence: missense variant.
Genome position (GRCh38, 1-based): chr14:102,016,997, G>A. VCF-style: chr14-102016997-G-A. GRCh37 (hg19) VCF-style: chr14-102483334-G-A.
Other names: short protein forms E2616K.
Identifiers: ClinVar variation 637520 (VCV000637520.5), dbSNP rs1555410285, ClinGen allele CA391003233.